The following is an entry in ClinVar:

ClinVar aggregate classification (germline): Pathogenic/Likely pathogenic. Review status: criteria provided, multiple submitters, no conflicts (2 of 4 stars). 2 submissions from 2 submitters: Pathogenic (1); Likely pathogenic (1). Last evaluated 2023-05-30.

Conditions:
Severe combined immunodeficiency, autosomal recessive, T cell-negative, B cell-negative, NK cell-positive. Also called: SCID, T CELL-NEGATIVE, B CELL-NEGATIVE, NK CELL-POSITIVE; SCID, AR, T-cell negative, B-cell negative, NK cell-positive; Severe combined immunodeficiency due to complete RAG1/2 deficiency. Identifiers: Orphanet 331206, MedGen C1832322, MONDO:0011086, OMIM 601457.
Combined immunodeficiency with skin granulomas. Identifiers: Orphanet 157949, MedGen C2673536, MONDO:0009306, OMIM 233650.
Combined immunodeficiency due to partial RAG1 deficiency. Identifiers: Orphanet 231154, MedGen C1835931, MONDO:0012359, OMIM 609889.

Submissions (2):

Baylor Genetics
Classification: Likely pathogenic for Combined immunodeficiency due to partial RAG1 deficiency. Last evaluated: 2023-05-30. Review status: criteria provided, single submitter. Criteria: ACMG Guidelines, 2015. Collection method: clinical testing. Allele origin: unknown.

Labcorp Genetics (formerly Invitae), Labcorp
Classification: Pathogenic for Combined immunodeficiency with skin granulomas; Severe combined immunodeficiency, autosomal recessive, T cell-negative, B cell-negative, NK cell-positive. Last evaluated: 2023-01-29. Review status: criteria provided, single submitter. Criteria: Invitae Variant Classification Sherloc (09022015). Collection method: clinical testing. Allele origin: germline.
Comment: For these reasons, this variant has been classified as Pathogenic. This variant has not been reported in the literature in individuals affected with RAG1-related conditions. This sequence change creates a premature translational stop signal (p.Trp204Cysfs*9) in the RAG1 gene. While this is not anticipated to result in nonsense mediated decay, it is expected to disrupt the last 840 amino acid(s) of the RAG1 protein. This variant is not present in population databases (gnomAD no frequency). This variant disrupts a region of the RAG1 protein in which other variant(s) (p.Arg975Gln) have been determined to be pathogenic (PMID: 11133745, 17476359, 18768869, 24290284, 27484032, 30307608). This suggests that this is a clinically significant region of the protein, and that variants that disrupt it are likely to be disease-causing.

Literature cited by the submitters: PubMed 11133745 (cited by Labcorp Genetics (formerly Invitae), Labcorp); PubMed 17476359 (cited by Labcorp Genetics (formerly Invitae), Labcorp); PubMed 18768869 (cited by Labcorp Genetics (formerly Invitae), Labcorp); PubMed 24290284 (cited by Labcorp Genetics (formerly Invitae), Labcorp); PubMed 27484032 (cited by Labcorp Genetics (formerly Invitae), Labcorp); PubMed 30307608 (cited by Labcorp Genetics (formerly Invitae), Labcorp).

NM_000448.3(RAG1):c.611_612insT (p.Trp204fs)

Gene: RAG1 (recombination activating 1; plus strand). Cytogenetic location: 11p12.
Variant type: Insertion.
Coding change: c.611_612insT on transcript NM_000448.3 (MANE Select); coding-DNA positions 611 to 612, T inserted.
Protein change: p.Trp204fs; shifts the reading frame from tryptophan 204.
Molecular consequence: frameshift variant.
Genome position: GRCh38 VCF-style: chr11-36573915-G-GT. GRCh37 (hg19) VCF-style: chr11-36595465-G-GT.
Other names: c.611_612insT, p.Trp204fs (NM_001377277.1, NM_001377278.1, NM_001377279.1 and 1 more transcripts); short protein forms W204fs.
Identifiers: ClinVar variation 2678202 (VCV002678202.4), dbSNP rs2494752351, ClinGen allele CA2695201122.